The following is an entry in ClinVar:

ClinVar aggregate classification (germline): Conflicting classifications of pathogenicity. Review status: criteria provided, conflicting classifications (1 of 4 stars). 3 submissions from 3 submitters: Uncertain significance (2); Likely benign (1). Last evaluated 2025-12-04.

Conditions:
Ehlers-Danlos syndrome, classic type, 1 (EDSCL1). Also called: EHLERS-DANLOS SYNDROME, GRAVIS TYPE; EHLERS-DANLOS SYNDROME, SEVERE CLASSIC TYPE; EDS I; Ehlers-Danlos Syndrome, Classic Type, COL5A1-Related; Ehlers-Danlos syndrome, type 1. Identifiers: MedGen C0268335, MONDO:0019567, OMIM 130000.

Allele frequency attached by ClinVar (database versions not stated): gnomAD 0.00001; gnomAD exomes 0.00002 and 0.00003; TOPMed below 0.00001; ExAC 0.00002.
gnomAD v4.1: 39 of 1,613,950 alleles (0.0024%); highest among the groups gnomAD compares: Non-Finnish European, 0.0032%; no homozygotes.

Submissions (3):

Mayo Clinic Laboratories, Mayo Clinic
Classification: Uncertain significance. Last evaluated: 2025-12-04. Review status: criteria provided, single submitter. Criteria: ACMG Guidelines, 2015. Collection method: clinical testing. Allele origin: germline. Observed: 2 variant alleles.

Labcorp Genetics (formerly Invitae), Labcorp
Classification: Likely benign for Ehlers-Danlos syndrome, classic type, 1. Last evaluated: 2025-06-19. Review status: criteria provided, single submitter. Criteria: Invitae Variant Classification Sherloc (09022015). Collection method: clinical testing. Allele origin: germline.

GeneDx
Classification: Uncertain significance. Last evaluated: 2024-09-04. Review status: criteria provided, single submitter. Criteria: GeneDx Variant Classification Process June 2021. Collection method: clinical testing. Allele origin: germline. Affected: yes.
Comment: Has not been previously published as pathogenic or benign to our knowledge; Not observed at significant frequency in large population cohorts (gnomAD); In silico analysis indicates that this missense variant does not alter protein structure/function; Occurs in the triple helical domain at the X position in the canonical Gly-X-Y repeat; although this variant may have an effect on normal protein folding and function, missense substitution at the X position is not a common mechanism of disease (PMID: 22696272; HGMD); This variant is associated with the following publications: (PMID: 22696272)

NM_000093.5(COL5A1):c.3551C>T (p.Pro1184Leu)

Gene: COL5A1 (collagen type V alpha 1 chain; plus strand). Cytogenetic location: 9q34.3.
Variant type: single nucleotide variant.
Coding change: c.3551C>T on transcript NM_000093.5 (MANE Select); coding-DNA position 3551, C replaced by T.
Protein change: p.Pro1184Leu; replaces proline 1184 with leucine.
Molecular consequence: missense variant.
Genome position (GRCh38, 1-based): chr9:134,811,361, C>T. VCF-style: chr9-134811361-C-T. GRCh37 (hg19) VCF-style: chr9-137703207-C-T.
Other names: p.Pro1184Leu; c.3551C>T, p.Pro1184Leu (NM_001278074.1); short protein forms P1184L.
Identifiers: ClinVar variation 426556 (VCV000426556.13), dbSNP rs749093832, ClinGen allele CA5319931.